The following is an entry in ClinVar:

NM_024334.3(TMEM43):c.893A>G (p.His298Arg)

Gene: TMEM43 (transmembrane protein 43; plus strand). Cytogenetic location: 3p25.1.
Variant type: single nucleotide variant.
Coding change: c.893A>G on transcript NM_024334.3 (MANE Select); coding-DNA position 893, A replaced by G.
Protein change: p.His298Arg; replaces histidine 298 with arginine.
Molecular consequence: missense variant.
Genome position (GRCh38, 1-based): chr3:14,139,190, A>G. VCF-style: chr3-14139190-A-G. GRCh37 (hg19) VCF-style: chr3-14180690-A-G.
Other names: short protein forms H298R.
Identifiers: ClinVar variation 629528 (VCV000629528.46), dbSNP rs1285837389, ClinGen allele CA351536098.

ClinVar aggregate classification (germline): Conflicting classifications of pathogenicity. Review status: criteria provided, conflicting classifications (1 of 4 stars). 6 submissions from 6 submitters: Uncertain significance (2); Likely benign (4). Last evaluated 2025-12-03.

Conditions:
Arrhythmogenic right ventricular dysplasia 5. Also called: Arrhythmogenic Right Ventricular Dysplasia/Cardiomyopathy 5; ARRHYTHMOGENIC RIGHT VENTRICULAR DYSPLASIA, FAMILIAL, 5. Identifiers: MedGen C1858379, MONDO:0011459, OMIM 604400.
Cardiovascular phenotype. Identifiers: MedGen CN230736.
Cardiomyopathy (CMYO). Also called: Cardiomyopathies. Identifiers: Orphanet 167848, MedGen C0878544, MONDO:0004994, HP:0001638. Inheritance: Various modes of inheritance.
TMEM43-related disorder. Also called: TMEM43-related condition.

Allele frequency attached by ClinVar (database versions not stated): gnomAD 0.00001; TOPMed 0.00001.
gnomAD v4.1: 18 of 1,613,670 alleles (0.0011%); highest among the groups gnomAD compares: Middle Eastern, 0.082%; 1 homozygote.

Submissions (6):

Labcorp Genetics (formerly Invitae), Labcorp
Classification: Uncertain significance for Arrhythmogenic right ventricular dysplasia 5. Last evaluated: 2025-12-03. Review status: criteria provided, single submitter. Criteria: Invitae Variant Classification Sherloc (09022015). Collection method: clinical testing. Allele origin: germline.
Comment: This sequence change replaces histidine, which is basic and polar, with arginine, which is basic and polar, at codon 298 of the TMEM43 protein (p.His298Arg). This variant is present in population databases (no rsID available, gnomAD no frequency). This variant has not been reported in the literature in individuals affected with TMEM43-related conditions. ClinVar contains an entry for this variant (Variation ID: 629528). Invitae Evidence Modeling of protein sequence and biophysical properties (such as structural, functional, and spatial information, amino acid conservation, physicochemical variation, residue mobility, and thermodynamic stability) indicates that this missense variant is not expected to disrupt TMEM43 protein function with a negative predictive value of 80%. In summary, the available evidence is currently insufficient to determine the role of this variant in disease. Therefore, it has been classified as a Variant of Uncertain Significance.

Ambry Genetics
Classification: Likely benign for Cardiovascular phenotype. Last evaluated: 2025-10-06. Review status: criteria provided, single submitter. Criteria: Ambry Variant Classification Scheme 2023. Collection method: clinical testing. Allele origin: germline.

Color Diagnostics, LLC DBA Color Health
Classification: Likely benign for Cardiomyopathy. Last evaluated: 2024-09-06. Review status: criteria provided, single submitter. Criteria: ACMG Guidelines, 2015. Collection method: clinical testing. Allele origin: germline.

All of Us Research Program, National Institutes of Health
Classification: Likely benign for Arrhythmogenic right ventricular dysplasia 5. Last evaluated: 2023-06-20. Review status: criteria provided, single submitter. Criteria: ACMG Guidelines, 2015. Collection method: clinical testing. Allele origin: germline. Inheritance: Autosomal dominant inheritance. Observed: 2 variant alleles, 2 heterozygotes.
Comment: This study involves interpretation of variants in research participants for the purpose of population health screening. Participant phenotype was not available at the time of variant classification. Additional details can be found in publication PMID: 35346344, PMCID: PMC8962531

PreventionGenetics, part of Exact Sciences
Classification: Uncertain significance for TMEM43-related condition. Last evaluated: 2023-05-04. Review status: criteria provided, single submitter. Criteria: ACMG Guidelines, 2015. Collection method: clinical testing. Allele origin: germline.
Comment: The TMEM43 c.893A>G variant is predicted to result in the amino acid substitution p.His298Arg. To our knowledge, this variant has not been reported in the literature. This variant is reported in 0.00088% of alleles in individuals of European (Non-Finnish) descent in gnomAD. At this time, the clinical significance of this variant is uncertain due to the absence of conclusive functional and genetic evidence.

CeGaT Center for Human Genetics Tuebingen
Classification: Likely benign. Last evaluated: 2023-01-01. Review status: criteria provided, single submitter. Criteria: CeGaT Center For Human Genetics Tuebingen Variant Classification Criteria Version 2. Collection method: clinical testing. Allele origin: germline. Affected: yes. Observed: 2 variant alleles.
Comment: TMEM43: BP4, BS1